The following is an entry in ClinVar:

ClinVar aggregate classification (germline): Uncertain significance. Review status: criteria provided, multiple submitters, no conflicts (2 of 4 stars). 2 submissions from 2 submitters: Uncertain significance (2). Last evaluated 2024-08-08.

Conditions:
Fanconi anemia (FA). Also called: Fanconi's anemia. Identifiers: Orphanet 84, MedGen C0015625, MeSH D005199, MONDO:0019391.

Allele frequency attached by ClinVar (database versions not stated): gnomAD exomes 0.00001; ExAC 0.00002; gnomAD 0.00003 and 0.00004; TOPMed 0.00003.
gnomAD v4.1: 19 of 1,613,932 alleles (0.0012%); highest among the groups gnomAD compares: East Asian, 0.0067%; no homozygotes.

Submissions (2):

Labcorp Genetics (formerly Invitae), Labcorp
Classification: Uncertain significance for Fanconi anemia. Last evaluated: 2024-08-08. Review status: criteria provided, single submitter. Criteria: Invitae Variant Classification Sherloc (09022015). Collection method: clinical testing. Allele origin: germline.
Comment: This sequence change replaces aspartic acid, which is acidic and polar, with asparagine, which is neutral and polar, at codon 1145 of the FANCM protein (p.Asp1145Asn). This variant is present in population databases (rs753249049, gnomAD 0.003%). This variant has not been reported in the literature in individuals affected with FANCM-related conditions. ClinVar contains an entry for this variant (Variation ID: 1040350). An algorithm developed to predict the effect of missense changes on protein structure and function outputs the following: PolyPhen-2: "Benign". The asparagine amino acid residue is found in multiple mammalian species, which suggests that this missense change does not adversely affect protein function. In summary, the available evidence is currently insufficient to determine the role of this variant in disease. Therefore, it has been classified as a Variant of Uncertain Significance.

GeneDx
Classification: Uncertain significance. Last evaluated: 2024-03-11. Review status: criteria provided, single submitter. Criteria: GeneDx Variant Classification Process June 2021. Collection method: clinical testing. Allele origin: germline. Affected: yes.
Comment: Not observed at significant frequency in large population cohorts (gnomAD); In silico analysis supports that this missense variant does not alter protein structure/function; Has not been previously published as pathogenic or benign to our knowledge

NM_020937.4(FANCM):c.3433G>A (p.Asp1145Asn)

Gene: FANCM (FA complementation group M; plus strand). Cytogenetic location: 14q21.2.
Variant type: single nucleotide variant.
Coding change: c.3433G>A on transcript NM_020937.4 (MANE Select); coding-DNA position 3433, G replaced by A.
Protein change: p.Asp1145Asn; replaces aspartic acid 1145 with asparagine.
Molecular consequence: missense variant.
Genome position (GRCh38, 1-based): chr14:45,176,187, G>A. VCF-style: chr14-45176187-G-A. GRCh37 (hg19) VCF-style: chr14-45645390-G-A.
Other names: c.3433G>A (NM_020937.2); c.3355G>A, p.Asp1119Asn (NM_001308133.2); short protein forms D1145N, D1119N.
Identifiers: ClinVar variation 1040350 (VCV001040350.7), dbSNP rs753249049, ClinGen allele CA7169509.